The following is an entry in ClinVar:

ClinVar aggregate classification (germline): Uncertain significance (1 of 4 stars; one submission).

Conditions:
Neurodevelopmental disorder with facial dysmorphism, absent language, and pseudo-pelger-huet anomaly. Identifiers: Orphanet 698085, MedGen C5774232, MONDO:0859298, OMIM 620075.

Submission:

Neuberg Centre For Genomic Medicine, NCGM
Classification: Uncertain significance for Neurodevelopmental disorder with facial dysmorphism, absent language, and pseudo-pelger-huet anomaly. Review status: criteria provided, single submitter. Criteria: ACMG Guidelines, 2015. Collection method: clinical testing. Allele origin: germline. Inheritance: Autosomal recessive inheritance. Affected: yes.
Comment: The observed inframe insertion c.542_543insCCACAG (p.Phe181_Val182insHisSer) variant in TMEM147 gene has not been reported previously as a pathogenic variant nor as a benign variant, to our knowledge. The p.Phe181_Val182insHisSer variant is present with allele frequency of 0% in gnomAD Exomes. This variant has not been submitted to the ClinVar database. The insertion of amino acid HisSer between amino acids Phe at position 181 and Val at position 182 changing protein sequence and it might alter its composition and physico-chemical properties. For these reasons, this variant has been classified as Variant of Uncertain Significance (VUS). Above Variants in TMEM147 gene are multinucleotide variants (MNV), hence sanger sequencing is recommended to confirm the nomenclature. In the absence of another reportable variant in TMEM147 gene, the molecular diagnosis is not confirmed.

NM_032635.4(TMEM147):c.542_543insCCACAG (p.Phe181_Val182insHisSer)

Gene: TMEM147 (transmembrane protein 147; plus strand). Cytogenetic location: 19q13.12.
Variant type: Insertion.
Coding change: c.542_543insCCACAG on transcript NM_032635.4 (MANE Select); coding-DNA positions 542 to 543, CCACAG inserted.
Protein change: p.Phe181_Val182insHisSer.
Molecular consequence: inframe insertion.
Genome position: GRCh38 VCF-style: chr19-35547231-T-TCCACAG. GRCh37 (hg19) VCF-style: chr19-36038133-T-TCCACAG.
Other names: c.395_396insCCACAG, p.Phe132_Val133insHisSer (NM_001242597.2); c.320_321insCCACAG, p.Phe107_Val108insHisSer (NM_001242598.2).
Identifiers: ClinVar variation 3603281 (VCV003603281.1).
Genomic context (GRCh38, chr19:35,547,231, plus strand): 5'-TGTACCACACCTTCCGGCCAGCTGTCCTCCTGCTGATGTTCCTCAGTGTCTACAAGGCCT[T>TCCACAG]TGTTATGGAGTGAGTTGGGTGGGGTTTAGGGCTGGGTCCAAAGTGGGGTGGGTTATCTAG-3'